The following is an entry in ClinVar:

NC_000003.11:g.(?_182754986)_(182775230_?)del

Gene: MCCC1 (methylcrotonyl-CoA carboxylase subunit 1; minus strand). Cytogenetic location: 3q27.1.
Variant type: Deletion.
Identifiers: ClinVar variation 2426522 (VCV002426522.4).

ClinVar aggregate classification (germline): Pathogenic (1 of 4 stars; one submission).

Conditions:
3-methylcrotonyl-CoA carboxylase 1 deficiency (MCC1D). Also called: MCCD TYPE 1; METHYLCROTONYLGLYCINURIA TYPE I; MCC 1 deficiency; 3 Alpha methylcrotonylglycinuria 1. Identifiers: Orphanet 6, MedGen CN028786, MONDO:0008861, OMIM 210200.

Submission:

Labcorp Genetics (formerly Invitae), Labcorp
Classification: Pathogenic for 3-methylcrotonyl-CoA carboxylase 1 deficiency. Last evaluated: 2023-11-24. Review status: criteria provided, single submitter. Criteria: Invitae Variant Classification Sherloc (09022015). Collection method: clinical testing. Allele origin: germline.
Comment: This variant is a gross deletion of the genomic region encompassing exon(s) 8-13 of the MCCC1 gene. This deletion is out-of-frame, and is expected to create a premature termination codon and result in an absent or disrupted protein product. Loss-of-function variants in MCCC1 are known to be pathogenic (PMID: 11181649, 15359379, 22642865). This variant has not been reported in the literature in individuals affected with MCCC1-related conditions. For these reasons, this variant has been classified as Pathogenic.

Literature cited by the submitters: PubMed 11181649; PubMed 15359379; PubMed 22642865.